The following is an entry in ClinVar:

ClinVar aggregate classification (germline): Uncertain significance. Review status: criteria provided, multiple submitters, no conflicts (2 of 4 stars). 2 submissions from 2 submitters: Uncertain significance (2). Last evaluated 2025-08-24.

Conditions:
Hereditary cancer-predisposing syndrome. Also called: Tumor predisposition; Neoplastic Syndromes, Hereditary; Hereditary neoplastic syndrome; Hereditary Cancer Syndrome. Identifiers: Orphanet 140162, MedGen C0027672, MeSH D009386, MONDO:0015356.
Hereditary nonpolyposis colorectal neoplasms. Identifiers: MedGen C0009405, MeSH D003123.

Submissions (2):

Ambry Genetics
Classification: Uncertain significance for Hereditary cancer-predisposing syndrome. Last evaluated: 2025-08-24. Review status: criteria provided, single submitter. Criteria: Ambry Variant Classification Scheme 2023. Collection method: clinical testing. Allele origin: germline.
Comment: The p.T488S variant (also known as c.1463C>G), located in coding exon 4 of the MSH6 gene, results from a C to G substitution at nucleotide position 1463. The threonine at codon 488 is replaced by serine, an amino acid with similar properties. This amino acid position is conserved. In addition, this alteration is predicted to be deleterious by in silico analysis. Based on the available evidence, the clinical significance of this variant remains unclear.

Labcorp Genetics (formerly Invitae), Labcorp
Classification: Uncertain significance for Hereditary nonpolyposis colorectal neoplasms. Last evaluated: 2025-04-08. Review status: criteria provided, single submitter. Criteria: Invitae Variant Classification Sherloc (09022015). Collection method: clinical testing. Allele origin: germline.
Comment: This sequence change replaces threonine, which is neutral and polar, with serine, which is neutral and polar, at codon 488 of the MSH6 protein (p.Thr488Ser). This variant is not present in population databases (gnomAD no frequency). This variant has not been reported in the literature in individuals affected with MSH6-related conditions. Invitae Evidence Modeling of protein sequence and biophysical properties (such as structural, functional, and spatial information, amino acid conservation, physicochemical variation, residue mobility, and thermodynamic stability) indicates that this missense variant is not expected to disrupt MSH6 protein function with a negative predictive value of 95%. In summary, the available evidence is currently insufficient to determine the role of this variant in disease. Therefore, it has been classified as a Variant of Uncertain Significance.

NM_000179.3(MSH6):c.1463C>G (p.Thr488Ser)

Gene: MSH6 (mutS homolog 6; plus strand). Cytogenetic location: 2p16.3.
Variant type: single nucleotide variant.
Coding change: c.1463C>G on transcript NM_000179.3 (MANE Select); coding-DNA position 1463, C replaced by G.
Protein change: p.Thr488Ser; replaces threonine 488 with serine.
Molecular consequence: missense variant. On other transcripts: non-coding transcript variant (4), intron variant (1).
Genome position (GRCh38, 1-based): chr2:47,799,446, C>G. VCF-style: chr2-47799446-C-G. GRCh37 (hg19) VCF-style: chr2-48026585-C-G.
Other names: c.557C>G, p.Thr186Ser (NM_001406829.1, NM_001281493.2, NM_001281494.2 and 6 more transcripts); c.1166C>G, p.Thr389Ser (NM_001406830.1, NM_001406797.1, NM_001406818.1 and 10 more transcripts); c.628-1220C>G (NM_001407362.1); c.1073C>G, p.Thr358Ser (NM_001281492.2); c.1559C>G, p.Thr520Ser (NM_001406795.1, NM_001406802.1); c.1463C>G, p.Thr488Ser (NM_001406796.1, NM_001406798.1, NM_001406809.1 and 4 more transcripts); c.1469C>G, p.Thr490Ser (NM_001406813.1); c.938C>G, p.Thr313Ser (NM_001406799.1, NM_001406806.1, NM_001406807.1); and 2 more; short protein forms T432S, T186S, T313S, T462S, T488S, T520S, T358S, T389S.
Identifiers: ClinVar variation 4111234 (VCV004111234.2).
Genomic context (GRCh38, chr2:47,799,446, plus strand): 5'-GTTATTCAGATTCCCTGGTGCAGAAGGGCTATAAAGTAGCACGAGTGGAACAGACTGAGA[C>G]TCCAGAAATGATGGAGGCACGATGTAGAAAGATGGCACATATATCCAAGTATGATAGAGT-3'
Protein context (NP_000170.1, residues 478-498): YKVARVEQTE[Thr488Ser]PEMMEARCRK